The following is an entry in ClinVar:

ClinVar aggregate classification (germline): Uncertain significance (1 of 4 stars; one submission).

Submission:

Ambry Genetics
Classification: Uncertain significance. Last evaluated: 2026-05-04. Review status: criteria provided, single submitter. Criteria: Ambry Variant Classification Scheme 2023. Collection method: clinical testing. Allele origin: germline.
Comment: The p.N4Y variant (also known as c.10A>T), located in coding exon 1 of the GEN1 gene, results from an A to T substitution at nucleotide position 10. The asparagine at codon 4 is replaced by tyrosine, an amino acid with dissimilar properties. This amino acid position is conserved. In addition, this alteration is predicted to be tolerated by in silico analysis. Based on the available evidence, the clinical significance of this variant remains unclear.

NM_001130009.3(GEN1):c.10A>T (p.Asn4Tyr)

Gene: GEN1 (GEN1 structure-specific endonuclease; plus strand). Cytogenetic location: 2p24.2.
Variant type: single nucleotide variant.
Coding change: c.10A>T on transcript NM_001130009.3 (MANE Select); coding-DNA position 10, A replaced by T.
Protein change: p.Asn4Tyr; replaces asparagine 4 with tyrosine.
Molecular consequence: missense variant.
Genome position (GRCh38, 1-based): chr2:17,759,953, A>T. VCF-style: chr2-17759953-A-T. GRCh37 (hg19) VCF-style: chr2-17941220-A-T.
Other names: c.10A>T, p.Asn4Tyr (NM_182625.5); short protein forms N4Y.
Identifiers: ClinVar variation 4857969 (VCV004857969.1).